The following is an entry in ClinVar:

NM_207361.6(FREM2):c.3738G>A (p.Thr1246=)

Gene: FREM2 (FRAS1 related extracellular matrix 2; plus strand). Cytogenetic location: 13q13.3.
Variant type: single nucleotide variant.
Coding change: c.3738G>A on transcript NM_207361.6 (MANE Select); coding-DNA position 3738, G replaced by A.
Protein change: p.Thr1246=; no amino-acid change (threonine 1246 retained).
Molecular consequence: synonymous variant.
Genome position (GRCh38, 1-based): chr13:38,691,082, G>A. VCF-style: chr13-38691082-G-A. GRCh37 (hg19) VCF-style: chr13-39265219-G-A.
Other names: c.3738G>A (NM_207361.5).
Identifiers: ClinVar variation 311966 (VCV000311966.10), dbSNP rs530142447, ClinGen allele CA6954842.

ClinVar aggregate classification (germline): Conflicting classifications of pathogenicity. Review status: criteria provided, conflicting classifications (1 of 4 stars). 4 submissions from 4 submitters: Uncertain significance (1); Benign (1); Likely benign (2). Last evaluated 2025-12-16.

Conditions:
FREM2-related disorder. Also called: FREM2-related condition.
Fraser syndrome 2 (FRASRS2). Identifiers: MedGen C4540036, MONDO:0054738, OMIM 617666.

Allele frequency attached by ClinVar (database versions not stated): gnomAD below 0.00001 and 0.00002; TOPMed 0.00001; gnomAD exomes 0.00008 and 0.00016; 1000 Genomes Project 30x 0.00016; 1000 Genomes Project 0.00020; ExAC 0.00021.
gnomAD v4.1: 123 of 1,614,050 alleles (0.0076%); highest among the groups gnomAD compares: South Asian, 0.11%; 2 homozygotes.

Submissions (4):

PreventionGenetics, part of Exact Sciences
Classification: Likely benign for FREM2-related condition. Last evaluated: 2025-12-16. Review status: criteria provided, single submitter. Criteria: ACMG Guidelines, 2015. Collection method: clinical testing. Allele origin: germline.
Comment: This variant is classified as likely benign based on ACMG/AMP sequence variant interpretation guidelines (Richards et al. 2015 PMID: 25741868, with internal and published modifications).

Labcorp Genetics (formerly Invitae), Labcorp
Classification: Benign. Last evaluated: 2025-12-15. Review status: criteria provided, single submitter. Criteria: Invitae Variant Classification Sherloc (09022015). Collection method: clinical testing. Allele origin: germline.

Blueprint Genetics
Classification: Likely benign. Last evaluated: 2021-12-01. Review status: criteria provided, single submitter. Criteria: ACMG Guidelines, 2015. Collection method: clinical testing. Allele origin: germline.

Illumina Laboratory Services, Illumina
Classification: Uncertain significance for Fraser syndrome 2. Last evaluated: 2018-01-13. Review status: criteria provided, single submitter. Criteria: ICSL Variant Classification Criteria 13 December 2019. Collection method: clinical testing. Allele origin: germline.